The following is an entry in ClinVar:

NM_005271.5(GLUD1):c.154C>A (p.His52Asn)

Genes: GLUD1 (glutamate dehydrogenase 1; minus strand), SHLD2 (shieldin complex subunit 2; plus strand). Cytogenetic location: 10q23.2.
Variant type: single nucleotide variant.
Coding change: c.154C>A on transcript NM_005271.5 (MANE Select); coding-DNA position 154, C replaced by A.
Protein change: p.His52Asn; replaces histidine 52 with asparagine.
Molecular consequence: missense variant. On other transcripts: 5 prime UTR variant (3).
Genome position (GRCh38, 1-based): chr10:87,094,616, G>T on the plus strand (C>A on the coding strand, the complement: GLUD1 is on the minus strand). VCF-style: chr10-87094616-G-T. GRCh37 (hg19) VCF-style: chr10-88854373-G-T.
Other names: c.-575C>A (NM_001318904.2); c.-701C>A (NM_001318905.2); c.-408C>A (NM_001318906.2); short protein forms H52N.
Identifiers: ClinVar variation 301399 (VCV000301399.11), dbSNP rs750420022, ClinGen allele CA5587745.
Genomic context (GRCh38, chr10:87,094,616, plus strand): 5'-CCTCCACCATCTTGAAGAAGTTGGGGTCGTCCTCGCGGTCGGCCACCGCCTCGCTGTAGT[G>T]GCGCCGGGCGGCCAATGCCAGCCCCGGCTGCGGGGCGGCGGCGGGCTGTCCCCGGGCCCA-3'
Protein context (NP_005262.1, residues 42-62): QPGLALAARR[His52Asn]YSEAVADRED

ClinVar aggregate classification (germline): Uncertain significance. Review status: criteria provided, multiple submitters, no conflicts (2 of 4 stars). 3 submissions from 3 submitters: Uncertain significance (3). Last evaluated 2024-06-21.

Conditions:
Hyperinsulinism-hyperammonemia syndrome (HHF6). Identifiers: Orphanet 35878, MedGen C1847555, MONDO:0011717, OMIM 606762.

Allele frequency attached by ClinVar (database versions not stated): gnomAD exomes 0.00001 and 0.00002; TOPMed 0.00002; ExAC 0.00003.
gnomAD v4.1: 5 of 1,610,186 alleles (0.00031%); highest among the groups gnomAD compares: Admixed American, 0.0067%; no homozygotes.

Submissions (3):

GeneDx
Classification: Uncertain significance. Last evaluated: 2024-06-21. Review status: criteria provided, single submitter. Criteria: GeneDx Variant Classification Process June 2021. Collection method: clinical testing. Allele origin: germline. Affected: yes.
Comment: In silico analysis indicates that this missense variant does not alter protein structure/function; Has not been previously published as pathogenic or benign to our knowledge; This variant is associated with the following publications: (PMID: 38673928)

Labcorp Genetics (formerly Invitae), Labcorp
Classification: Uncertain significance for Hyperinsulinism-hyperammonemia syndrome. Last evaluated: 2021-10-20. Review status: criteria provided, single submitter. Criteria: Invitae Variant Classification Sherloc (09022015). Collection method: clinical testing. Allele origin: germline.
Comment: In summary, the available evidence is currently insufficient to determine the role of this variant in disease. Therefore, it has been classified as a Variant of Uncertain Significance. Algorithms developed to predict the effect of missense changes on protein structure and function are either unavailable or do not agree on the potential impact of this missense change (SIFT: "Not Available"; PolyPhen-2: "Benign"; Align-GVGD: "Not Available"). ClinVar contains an entry for this variant (Variation ID: 301399). This variant has not been reported in the literature in individuals affected with GLUD1-related conditions. This variant is present in population databases (rs750420022, ExAC 0.03%). This sequence change replaces histidine with asparagine at codon 52 of the GLUD1 protein (p.His52Asn). The histidine residue is weakly conserved and there is a small physicochemical difference between histidine and asparagine.

Illumina Laboratory Services, Illumina
Classification: Uncertain significance for Hyperinsulinism-hyperammonemia syndrome. Last evaluated: 2018-01-12. Review status: criteria provided, single submitter. Criteria: ICSL Variant Classification Criteria 13 December 2019. Collection method: clinical testing. Allele origin: germline.